The following is an entry in ClinVar:

ClinVar aggregate classification (germline): Uncertain significance (1 of 4 stars; one submission).

Submission:

CeGaT Center for Human Genetics Tuebingen
Classification: Uncertain significance. Last evaluated: 2025-04-01. Review status: criteria provided, single submitter. Criteria: CeGaT Center For Human Genetics Tuebingen Variant Classification Criteria Version 2. Collection method: clinical testing. Allele origin: germline. Affected: yes. Observed: 1 variant allele.
Comment: SHH: PM2

NM_000193.4(SHH):c.44C>T (p.Ser15Leu)

Gene: SHH (sonic hedgehog signaling molecule; minus strand). Cytogenetic location: 7q36.3.
Variant type: single nucleotide variant.
Coding change: c.44C>T on transcript NM_000193.4 (MANE Select); coding-DNA position 44, C replaced by T.
Protein change: p.Ser15Leu; replaces serine 15 with leucine.
Molecular consequence: missense variant.
Genome position (GRCh38, 1-based): chr7:155,812,079, G>A on the plus strand (C>T on the coding strand, the complement: SHH is on the minus strand). VCF-style: chr7-155812079-G-A. GRCh37 (hg19) VCF-style: chr7-155604773-G-A.
Other names: short protein forms S15L.
Identifiers: ClinVar variation 3898144 (VCV003898144.7).
Genomic context (GRCh38, chr7:155,812,079, plus strand): 5'-TGCCTCCTCTTCCCGAACCCCCTGCCCGGTCCGCACGCCAGTCCCGAGCATACCAGCAGC[G>A]AGGAGACGAGGACTAGCAGCAGACATCTCGCCAGCAGCAGCATCTCGCCCATGGAACTGA-3'
Protein context (NP_000184.1, residues 5-25): ARCLLLVLVS[Ser15Leu]LLVCSGLACG